The following is an entry in ClinVar:

ClinVar aggregate classification (germline): Likely benign. Review status: criteria provided, multiple submitters, no conflicts (2 of 4 stars). 3 submissions from 3 submitters: Likely benign (2). 1 of the submissions does not count toward it. Last evaluated 2025-11-19.

Conditions:
PITPNM3-related disorder. Also called: PITPNM3-related condition.

Allele frequency attached by ClinVar (database versions not stated): gnomAD exomes 0.00001 and 0.00002; ExAC 0.00003; gnomAD 0.00009; TOPMed 0.00009; ESP Exome Variant Server 0.00015.
gnomAD v4.1: 26 of 1,614,030 alleles (0.0016%); highest among the groups gnomAD compares: African/African-American, 0.033%; no homozygotes.

Submissions (3):

Labcorp Genetics (formerly Invitae), Labcorp
Classification: Likely benign. Last evaluated: 2025-11-19. Review status: criteria provided, single submitter. Criteria: Invitae Variant Classification Sherloc (09022015). Collection method: clinical testing. Allele origin: germline.

Blueprint Genetics
Classification: Likely benign. Last evaluated: 2021-07-29. Review status: criteria provided, single submitter. Criteria: ACMG Guidelines, 2015. Collection method: clinical testing. Allele origin: germline.

PreventionGenetics, part of Exact Sciences
Classification: Likely benign for PITPNM3-related condition. Last evaluated: 2019-09-19. Review status: no assertion criteria provided. Collection method: clinical testing. Allele origin: germline. Not counted in ClinVar's aggregate classification.
Comment: This variant is classified as likely benign based on ACMG/AMP sequence variant interpretation guidelines (Richards et al. 2015 PMID: 25741868, with internal and published modifications).

NM_031220.4(PITPNM3):c.1788G>A (p.Glu596=)

Gene: PITPNM3 (PITPNM family member 3; minus strand). Cytogenetic location: 17p13.2.
Variant type: single nucleotide variant.
Coding change: c.1788G>A on transcript NM_031220.4 (MANE Select); coding-DNA position 1788, G replaced by A.
Protein change: p.Glu596=; no amino-acid change (glutamic acid 596 retained).
Molecular consequence: synonymous variant.
Genome position (GRCh38, 1-based): chr17:6,468,327, C>T on the plus strand (G>A on the coding strand, the complement: PITPNM3 is on the minus strand). VCF-style: chr17-6468327-C-T. GRCh37 (hg19) VCF-style: chr17-6371647-C-T.
Other names: c.1680G>A, p.Glu560= (NM_001165966.2); c.1788G>A (NM_031220.3).
Identifiers: ClinVar variation 1572293 (VCV001572293.11), dbSNP rs142145870, ClinGen allele CA8329380.